The following is an entry in ClinVar:

ClinVar aggregate classification (germline): Uncertain significance. Review status: criteria provided, multiple submitters, no conflicts (2 of 4 stars). 3 submissions from 3 submitters: Uncertain significance (3). Last evaluated 2024-12-10.

Conditions:
Inborn genetic diseases. Identifiers: MedGen C0950123, MeSH D030342.

Allele frequency attached by ClinVar (database versions not stated): TOPMed 0.00002.
gnomAD v4.1: 40 of 1,614,010 alleles (0.0025%); highest among the groups gnomAD compares: South Asian, 0.0055%; no homozygotes.

Submissions (3):

Ambry Genetics
Classification: Uncertain significance for Inborn genetic diseases. Last evaluated: 2024-12-10. Review status: criteria provided, single submitter. Criteria: Ambry Variant Classification Scheme 2023. Collection method: clinical testing. Allele origin: germline.

Women's Health and Genetics/Laboratory Corporation of America, LabCorp
Classification: Uncertain significance. Last evaluated: 2024-01-18. Review status: criteria provided, single submitter. Criteria: LabCorp Variant Classification Summary - May 2015. Collection method: clinical testing. Allele origin: germline.
Comment: Variant summary: HPS5 c.323G>A (p.Arg108His) results in a non-conservative amino acid change in the encoded protein sequence. Three of five in-silico tools predict a damaging effect of the variant on protein function. The variant allele was found at a frequency of 2e-05 in 250906 control chromosomes (gnomAD). The available data on variant occurrences in the general population are insufficient to allow any conclusion about variant significance. To our knowledge, no occurrence of c.323G>A in individuals affected with Hermansky-Pudlak Syndrome and no experimental evidence demonstrating its impact on protein function have been reported. ClinVar contains an entry for this variant (Variation ID: 1009455). Based on the evidence outlined above, the variant was classified as uncertain significance.

Labcorp Genetics (formerly Invitae), Labcorp
Classification: Uncertain significance. Last evaluated: 2022-07-19. Review status: criteria provided, single submitter. Criteria: Invitae Variant Classification Sherloc (09022015). Collection method: clinical testing. Allele origin: germline.
Comment: This sequence change replaces arginine, which is basic and polar, with histidine, which is basic and polar, at codon 108 of the HPS5 protein (p.Arg108His). This variant is present in population databases (rs201664625, gnomAD 0.006%). This variant has not been reported in the literature in individuals affected with HPS5-related conditions. ClinVar contains an entry for this variant (Variation ID: 1009455). Algorithms developed to predict the effect of missense changes on protein structure and function output the following: SIFT: "Deleterious"; PolyPhen-2: "Benign"; Align-GVGD: "Class C0". The histidine amino acid residue is found in multiple mammalian species, which suggests that this missense change does not adversely affect protein function. In summary, the available evidence is currently insufficient to determine the role of this variant in disease. Therefore, it has been classified as a Variant of Uncertain Significance.

NM_181507.2(HPS5):c.323G>A (p.Arg108His)

Genes: HPS5 (HPS5 biogenesis of lysosomal organelles complex 2 subunit 2; minus strand), LOC130005404 (ATAC-STARR-seq lymphoblastoid active region 4495; plus strand). Cytogenetic location: 11p15.1.
Variant type: single nucleotide variant.
Coding change: c.323G>A on transcript NM_181507.2 (MANE Select); coding-DNA position 323, G replaced by A.
Protein change: p.Arg108His; replaces arginine 108 with histidine.
Molecular consequence: missense variant. On other transcripts: 5 prime UTR variant (1).
Genome position (GRCh38, 1-based): chr11:18,310,895, C>T on the plus strand (G>A on the coding strand, the complement: HPS5 is on the minus strand). VCF-style: chr11-18310895-C-T. GRCh37 (hg19) VCF-style: chr11-18332442-C-T.
Other names: c.-20G>A (NM_007216.4, NM_181508.2); short protein forms R108H.
Identifiers: ClinVar variation 1009455 (VCV001009455.8), dbSNP rs201664625, ClinGen allele CA5910462.